The following is an entry in ClinVar:

ClinVar aggregate classification (germline): Benign/Likely benign. Review status: criteria provided, multiple submitters, no conflicts (2 of 4 stars). 3 submissions from 3 submitters: Benign (1); Likely benign (1). 1 of the submissions does not count toward it. Last evaluated 2026-01-21.

Conditions:
DSG1-related disorder. Also called: DSG1-related condition.

Allele frequency attached by ClinVar (database versions not stated): gnomAD exomes 0.00021 and 0.00058; ExAC 0.00070; 1000 Genomes Project 30x 0.00172; 1000 Genomes Project 0.00180; gnomAD 0.00203 and 0.00221; ESP Exome Variant Server 0.00238; TOPMed 0.00241.
gnomAD v4.1: 616 of 1,613,912 alleles (0.038%); highest among the groups gnomAD compares: African/African-American, 0.76%; 3 homozygotes.

Submissions (3):

Labcorp Genetics (formerly Invitae), Labcorp
Classification: Benign. Last evaluated: 2026-01-21. Review status: criteria provided, single submitter. Criteria: Invitae Variant Classification Sherloc (09022015). Collection method: clinical testing. Allele origin: germline.

CeGaT Center for Human Genetics Tuebingen
Classification: Likely benign. Last evaluated: 2023-01-01. Review status: criteria provided, single submitter. Criteria: CeGaT Center For Human Genetics Tuebingen Variant Classification Criteria Version 2. Collection method: clinical testing. Allele origin: germline. Affected: yes. Observed: 1 variant allele.
Comment: DSG1: BS2

PreventionGenetics, part of Exact Sciences
Classification: Benign for DSG1-related condition. Last evaluated: 2020-02-19. Review status: no assertion criteria provided. Collection method: clinical testing. Allele origin: germline. Not counted in ClinVar's aggregate classification.
Comment: This variant is classified as benign based on ACMG/AMP sequence variant interpretation guidelines (Richards et al. 2015 PMID: 25741868, with internal and published modifications).

NM_001942.4(DSG1):c.2059G>A (p.Gly687Arg)

Genes: DSG1 (desmoglein 1; plus strand), DSG1-AS1 (DSG1 antisense RNA 1; minus strand). Cytogenetic location: 18q12.1.
Variant type: single nucleotide variant.
Coding change: c.2059G>A on transcript NM_001942.4 (MANE Select); coding-DNA position 2059, G replaced by A.
Protein change: p.Gly687Arg; replaces glycine 687 with arginine.
Molecular consequence: missense variant.
Genome position (GRCh38, 1-based): chr18:31,346,157, G>A. VCF-style: chr18-31346157-G-A. GRCh37 (hg19) VCF-style: chr18-28926120-G-A.
Other names: c.2059G>A (NM_001942.3); short protein forms G687R.
Identifiers: ClinVar variation 1164178 (VCV001164178.37), dbSNP rs146294475, ClinGen allele CA8926257.
Genomic context (GRCh38, chr18:31,346,157, plus strand): 5'-GAGATATGTCAAGAATACTCTGGAACATTAAGAAGAAATTCTATGAGGGAATGTAGAGAA[G>A]GAGGTCTGAATATGAATTTCATGGAAAGCTACTTCTGTCAGGTAAGGTCCCTAGCCACAT-3'
Protein context (NP_001933.2, residues 677-697): RRNSMRECRE[Gly687Arg]GLNMNFMESY